The following is an entry in ClinVar:

NM_001042681.2(RERE):c.1875A>G (p.Lys625=)

Gene: RERE (arginine-glutamic acid dipeptide repeats; minus strand). Cytogenetic location: 1p36.23.
Variant type: single nucleotide variant.
Coding change: c.1875A>G on transcript NM_001042681.2 (MANE Select); coding-DNA position 1875, A replaced by G.
Protein change: p.Lys625=; no amino-acid change (lysine 625 retained).
Molecular consequence: synonymous variant.
Genome position (GRCh38, 1-based): chr1:8,362,710, T>C on the plus strand (A>G on the coding strand, the complement: RERE is on the minus strand). VCF-style: chr1-8362710-T-C. GRCh37 (hg19) VCF-style: chr1-8422770-T-C.
Other names: c.213A>G, p.Lys71= (NM_001042682.2); c.1875A>G, p.Lys625= (NM_012102.4).
Identifiers: ClinVar variation 2663025 (VCV002663025.1), dbSNP rs2522730289, ClinGen allele CA415846753.

ClinVar aggregate classification (germline): Uncertain significance (1 of 4 stars; one submission).

Submission:

GeneDx
Classification: Uncertain significance. Last evaluated: 2023-04-20. Review status: criteria provided, single submitter. Criteria: GeneDx Variant Classification Process June 2021. Collection method: clinical testing. Allele origin: germline. Affected: yes.
Comment: Not observed at significant frequency in large population cohorts (gnomAD); In silico analysis supports a deleterious effect on splicing; Has not been previously published as pathogenic or benign to our knowledge